The following is an entry in ClinVar:

ClinVar aggregate classification (germline): Benign/Likely benign. Review status: criteria provided, multiple submitters, no conflicts (2 of 4 stars). 7 submissions from 7 submitters: Benign (4); Likely benign (2). 1 of the submissions does not count toward it. Last evaluated 2026-02-01.

Conditions:
Autosomal dominant optic atrophy classic form (OPA1). Also called: KJER-TYPE OPTIC ATROPHY; OPTIC ATROPHY, JUVENILE; Optic Atrophy Type 1. Identifiers: Orphanet 98673, MedGen C0338508, MONDO:0008134, OMIM 165500.

Allele frequency attached by ClinVar (database versions not stated): gnomAD 0.00752 and 0.00758; TOPMed 0.00824; 1000 Genomes Project 0.01238; 1000 Genomes Project 30x 0.01374; ExAC 0.00513; ESP Exome Variant Server 0.00669.
gnomAD v4.1: 4,030 of 1,586,394 alleles (0.25%); highest among the groups gnomAD compares: East Asian, 2.2%; 42 homozygotes.

Submissions (7):

Labcorp Genetics (formerly Invitae), Labcorp
Classification: Benign. Last evaluated: 2026-02-01. Review status: criteria provided, single submitter. Criteria: Invitae Variant Classification Sherloc (09022015). Collection method: clinical testing. Allele origin: germline.

Athena Diagnostics
Classification: Benign. Last evaluated: 2018-06-25. Review status: criteria provided, single submitter. Criteria: Athena Diagnostics Criteria. Collection method: clinical testing. Allele origin: germline.

Illumina Laboratory Services, Illumina
Classification: Likely benign for Autosomal dominant optic atrophy classic form. Last evaluated: 2017-04-27. Review status: criteria provided, single submitter. Criteria: ICSL Variant Classification Criteria 13 December 2019. Collection method: clinical testing. Allele origin: germline.
Comment: This variant was observed as part of a predisposition screen in an ostensibly healthy population. A literature search was performed for the gene, cDNA change, and amino acid change (where applicable). Publications were found based on this search. The evidence from the literature, in combination with allele frequency data from public databases where available, was sufficient to determine this variant is unlikely to cause disease. Therefore, this variant is classified as likely benign.

GeneDx
Classification: Benign. Last evaluated: 2014-05-27. Review status: criteria provided, single submitter. Criteria: GeneDx Variant Classification (06012015). Collection method: clinical testing. Allele origin: germline. Affected: yes.
Comment: This variant is considered likely benign or benign based on one or more of the following criteria: it is a conservative change, it occurs at a poorly conserved position in the protein, it is predicted to be benign by multiple in silico algorithms, and/or has population frequency not consistent with disease.

Eurofins Ntd Llc (ga)
Classification: Benign. Last evaluated: 2013-01-11. Review status: criteria provided, single submitter. Criteria: EGL Classification Definitions 2015. Collection method: clinical testing. Allele origin: germline. Observed: 7 variant alleles, 7 heterozygotes.

Breakthrough Genomics
Classification: Likely benign. Review status: criteria provided, single submitter. Criteria: ACMG Guidelines, 2015. Collection method: not provided. Allele origin: germline. Inheritance: Autosomal recessive inheritance. Affected: yes.

Mayo Clinic Laboratories, Mayo Clinic
Classification: Likely benign. Last evaluated: 2016-03-16. Review status: no assertion criteria provided. Collection method: clinical testing. Allele origin: unknown. Not counted in ClinVar's aggregate classification.

Literature cited by the submitters: PubMed 23401657 (cited by Illumina Laboratory Services, Illumina); PubMed 21203403 (cited by Illumina Laboratory Services, Illumina); PubMed 17722006 (cited by Illumina Laboratory Services, Illumina).

NM_130837.3(OPA1):c.2961C>T (p.Arg987=)

Gene: OPA1 (OPA1 mitochondrial dynamin like GTPase; plus strand). Cytogenetic location: 3q29.
Variant type: single nucleotide variant.
Coding change: c.2961C>T on transcript NM_130837.3 (MANE Select); coding-DNA position 2961, C replaced by T.
Protein change: p.Arg987=; no amino-acid change (arginine 987 retained).
Molecular consequence: synonymous variant.
Genome position (GRCh38, 1-based): chr3:193,667,258, C>T. VCF-style: chr3-193667258-C-T. GRCh37 (hg19) VCF-style: chr3-193385047-C-T.
Other names: p.R932R:CGC>CGT; c.2427C>T, p.Arg809= (NM_001354663.2); c.2424C>T, p.Arg808= (NM_001354664.2); c.2796C>T, p.Arg932= (NM_015560.3); c.2688C>T, p.Arg896= (NM_130831.3); c.2742C>T, p.Arg914= (NM_130832.3); c.2799C>T, p.Arg933= (NM_130833.3); c.2850C>T, p.Arg950= (NM_130834.3); and 2 more.
Identifiers: ClinVar variation 95723 (VCV000095723.22), dbSNP rs35540805, ClinGen allele CA285718.